The following is an entry in ClinVar:

NM_000321.3(RB1):c.-150G>C

Gene: RB1 (RB transcriptional corepressor 1; plus strand). Cytogenetic location: 13q14.2.
Variant type: single nucleotide variant.
Coding change: c.-150G>C on transcript NM_000321.3 (MANE Select); 150 bases upstream of the start codon, G replaced by C.
Molecular consequence: 5 prime UTR variant.
Genome position (GRCh38, 1-based): chr13:48,303,763, G>C. VCF-style: chr13-48303763-G-C. GRCh37 (hg19) VCF-style: chr13-48877899-G-C.
Other names: c.-150G>C (NM_001407165.1, NM_001407166.1, NM_001407167.1).
Identifiers: ClinVar variation 3780933 (VCV003780933.3).

ClinVar aggregate classification (germline): Conflicting classifications of pathogenicity. Review status: criteria provided, conflicting classifications (1 of 4 stars). 3 submissions from 3 submitters: Likely pathogenic (1); Uncertain significance (2). Last evaluated 2025-07-07.

Conditions:
Hereditary cancer-predisposing syndrome. Also called: Tumor predisposition; Hereditary Cancer Syndrome; Hereditary neoplastic syndrome; Neoplastic Syndromes, Hereditary. Identifiers: Orphanet 140162, MedGen C0027672, MeSH D009386, MONDO:0015356.
Retinoblastoma (RB1). Also called: RETINOBLASTOMA, SOMATIC. Identifiers: Orphanet 790, MedGen C0035335, MeSH D012175, MONDO:0008380, OMIM 180200, HP:0009919. Disease mechanism: loss of function. Inheritance: Both sporadic and heritable forms are tested..

Submissions (3):

Ambry Genetics
Classification: Uncertain significance for Hereditary cancer-predisposing syndrome. Last evaluated: 2025-07-07. Review status: criteria provided, single submitter. Criteria: Ambry Variant Classification Scheme 2023. Collection method: clinical testing. Allele origin: germline.
Comment: The c.-150G>C variant is located in the 5' untranslated region (5&rsquo; UTR) of the RB1 gene. This variant results from a G to C substitution 150 bases upstream from the first translated codon. In one study, this variant was identified in patients with unilateral retinoblastoma (Cowell JK et al. Oncogene, 1996 Jan;12:431-6). This nucleotide position is well conserved in available vertebrate species. Based on the available evidence, the clinical significance of this variant remains unclear.

Blueprint Genetics
Classification: Uncertain significance. Last evaluated: 2020-07-20. Review status: criteria provided, single submitter. Criteria: ACMG Guidelines, 2015. Collection method: clinical testing. Allele origin: germline.

Department of Pathology and Laboratory Medicine, Sinai Health System
Classification: Likely pathogenic for retinoblastoma. Review status: criteria provided, single submitter. Criteria: ACMG Guidelines, 2015. Collection method: clinical testing. Allele origin: germline.

Literature cited by the submitters: PubMed 8570221 (cited by Ambry Genetics).